The following is an entry in ClinVar:

Conditions:
Breast-ovarian cancer, familial, susceptibility to, 1 (BROVCA1). Also called: BRCA1 Hereditary Breast and Ovarian Cancer; OVARIAN CANCER, SUSCEPTIBILITY TO. Identifiers: Orphanet 145, MedGen C2676676, MONDO:0011450, OMIM 604370. Disease mechanism: loss of function.

Submission:

Brotman Baty Institute, University of Washington
No classification provided (evidence only). Condition: Breast-ovarian cancer, familial 1. Review status: no classification provided. Collection method: in vitro. Allele origin: not applicable. Functional consequence: function_uncertain_variant.
ClinVar note: "not provided" was previously submitted as the classification for the variant. However, the classification appeared to be based only on an observation of functional data so it was converted to no classification on 2025-07-30.

NM_007294.4(BRCA1):c.5407-14T>G

Gene: BRCA1 (BRCA1 DNA repair associated; minus strand). Cytogenetic location: 17q21.31.
Variant type: single nucleotide variant.
Coding change: c.5407-14T>G on transcript NM_007294.4 (MANE Select); 14 bases into the intron before coding-DNA position 5407, T replaced by G.
Molecular consequence: intron variant.
Genome position (GRCh38, 1-based): chr17:43,047,717, A>C on the plus strand (T>G on the coding strand, the complement: BRCA1 is on the minus strand). VCF-style: chr17-43047717-A-C. GRCh37 (hg19) VCF-style: chr17-41199734-A-C.
Other names: c.5401-14T>G (NM_001407634.1, NM_001407632.1, NM_001407627.1 and 13 more transcripts); c.5404-14T>G (NM_001407610.1, NM_001407621.1, NM_001407613.1 and 14 more transcripts); c.1972-14T>G (NM_001408442.1, NM_001408436.1, NM_001408435.1 and 10 more transcripts); c.1975-14T>G (NM_001408426.1, NM_001408430.1, NM_001408427.1 and 4 more transcripts); c.2095-14T>G (NM_001407982.1, NM_001407980.1, NM_001407993.1 and 10 more transcripts); c.2164-14T>G (NM_001407970.1, NM_001407971.1); c.5407-14T>G (NM_001407593.1, NM_001407603.1, NM_001407598.1 and 5 more transcripts); c.1954-14T>G (NM_001408458.1, NM_001408461.1, NM_001408464.1 and 7 more transcripts); and 83 more.
Identifiers: ClinVar variation 865729 (VCV000865729.3), dbSNP rs2050998366, ClinGen allele CA916080800.
Genomic context (GRCh38, chr17:43,047,717, plus strand): 5'-TCCTCTGTCCAGGCATCTGGCTGCACAACCACAATTGGGTGGACACCCTGGATCCCCAGG[A>C]AGGAAAGAGCATTCAAAGTGTCAAAGTAGGACTACTGGAACTGTCACTTCATCATTTTTT-3'